The following is an entry in ClinVar:

NM_000447.3(PSEN2):c.84G>A (p.Pro28=)

Gene: PSEN2 (presenilin 2; plus strand). Cytogenetic location: 1q42.13.
Variant type: single nucleotide variant.
Coding change: c.84G>A on transcript NM_000447.3 (MANE Select); coding-DNA position 84, G replaced by A.
Protein change: p.Pro28=; no amino-acid change (proline 28 retained).
Molecular consequence: synonymous variant.
Genome position (GRCh38, 1-based): chr1:226,881,991, G>A. VCF-style: chr1-226881991-G-A. GRCh37 (hg19) VCF-style: chr1-227069692-G-A.
Other names: c.84G>A, p.Pro28= (NM_012486.3).
Identifiers: ClinVar variation 748858 (VCV000748858.20), dbSNP rs371475270, ClinGen allele CA1424386.

ClinVar aggregate classification (germline): Likely benign. Review status: criteria provided, multiple submitters, no conflicts (2 of 4 stars). 3 submissions from 3 submitters: Likely benign (3). Last evaluated 2024-08-01.

Allele frequency attached by ClinVar (database versions not stated): gnomAD 0.00003 and 0.00004; TOPMed 0.00003; gnomAD exomes 0.00005 and 0.00007; ESP Exome Variant Server 0.00008; ExAC 0.00012.

Submissions (3):

CeGaT Center for Human Genetics Tuebingen
Classification: Likely benign. Last evaluated: 2024-08-01. Review status: criteria provided, single submitter. Criteria: CeGaT Center For Human Genetics Tuebingen Variant Classification Criteria Version 2. Collection method: clinical testing. Allele origin: germline. Affected: yes. Observed: 1 variant allele.
Comment: PSEN2: BP4, BP7

Labcorp Genetics (formerly Invitae), Labcorp
Classification: Likely benign. Last evaluated: 2018-06-05. Review status: criteria provided, single submitter. Criteria: Invitae Variant Classification Sherloc (09022015). Collection method: clinical testing. Allele origin: germline.

Breakthrough Genomics
Classification: Likely benign. Review status: criteria provided, single submitter. Criteria: ACMG Guidelines, 2015. Collection method: not provided. Allele origin: germline. Inheritance: Autosomal dominant inheritance. Affected: yes.